The following is an entry in ClinVar:

NM_000490.5(AVP):c.55G>A (p.Ala19Thr)

Gene: AVP (arginine vasopressin; minus strand). Cytogenetic location: 20p13.
Variant type: single nucleotide variant.
Coding change: c.55G>A on transcript NM_000490.5 (MANE Select); coding-DNA position 55, G replaced by A.
Protein change: p.Ala19Thr; replaces alanine 19 with threonine.
Molecular consequence: missense variant.
Genome position (GRCh38, 1-based): chr20:3,084,620, C>T on the plus strand (G>A on the coding strand, the complement: AVP is on the minus strand). VCF-style: chr20-3084620-C-T. GRCh37 (hg19) VCF-style: chr20-3065266-C-T.
Other names: AVP, ALA-1THR; c.55G>A, p.Ala19Thr (LRG_715t1); short protein forms A19T.
Identifiers: ClinVar variation 12206 (VCV000012206.17), dbSNP rs387906511, ClinGen allele CA121950.

ClinVar aggregate classification (germline): Pathogenic/Likely pathogenic. Review status: criteria provided, multiple submitters, no conflicts (2 of 4 stars). 9 submissions from 9 submitters: Pathogenic (4); Likely pathogenic (1). 4 of the submissions do not count toward it. Last evaluated 2025-11-02.

Conditions:
AVP-related disorder. Also called: AVP-related condition.
Neurohypophyseal diabetes insipidus. Also called: Diabetes Insipidus, Neurogenic; Hereditary arginine vasopressin deficiency; DIABETES INSIPIDUS, PRIMARY CENTRAL. Identifiers: Orphanet 178029, Orphanet 30925, MedGen C0342394, MONDO:0007450, OMIM 125700.

Submissions (9):

Labcorp Genetics (formerly Invitae), Labcorp
Classification: Pathogenic. Last evaluated: 2025-11-02. Review status: criteria provided, single submitter. Criteria: Invitae Variant Classification Sherloc (09022015). Collection method: clinical testing. Allele origin: germline.
Comment: This sequence change replaces alanine, which is neutral and non-polar, with threonine, which is neutral and polar, at codon 19 of the AVP protein (p.Ala19Thr). This variant is not present in population databases (gnomAD no frequency). This missense change has been observed in individual(s) with familial neurohypophyseal diabetes insipidus (PMID: 8370682, 31238300). It has also been observed to segregate with disease in related individuals. ClinVar contains an entry for this variant (Variation ID: 12206). An algorithm developed to predict the effect of missense changes on protein structure and function (PolyPhen-2) suggests that this variant is likely to be disruptive. For these reasons, this variant has been classified as Pathogenic.

3billion
Classification: Pathogenic for Neurohypophyseal diabetes insipidus. Last evaluated: 2024-09-13. Review status: criteria provided, single submitter. Criteria: ACMG Guidelines, 2015. Collection method: clinical testing. Allele origin: germline. Affected: yes.
Comment: The variant is not observed in the gnomAD v4.0.0 dataset. Predicted Consequence/Location: Missense variant. Missense changes are a common disease-causing mechanism. In silico tool predictions suggest damaging effect of the variant on gene or gene product [REVEL: 0.80 (>=0.6, sensitivity 0.68 and specificity 0.92); 3Cnet: 0.62 (>=0.6, sensitivity 0.72 and precision 0.9)]. The same nucleotide change resulting in the same amino acid change has been previously reported as pathogenic/likely pathogenic with strong evidence (ClinVar ID: VCV000012206 /PMID: 8370682). The variant has been reported to co-segregate with the disease in at least 5 similarly affected relatives/individuals in the same family or similarly affected unrelated families (PMID: 8370682). A different missense change at the same codon (p.Ala19Val) has been reported to be associated with AVP related disorder (ClinVar ID: VCV000012212 /PMID: 8554046). Therefore, this variant is classified as Pathogenic according to the recommendation of ACMG/AMP guideline.

Fulgent Genetics
Classification: Pathogenic for Neurohypophyseal diabetes insipidus. Last evaluated: 2024-01-04. Review status: criteria provided, single submitter. Criteria: ACMG Guidelines, 2015. Collection method: clinical testing. Allele origin: germline.

Blueprint Genetics
Classification: Pathogenic for AVP-related disorders. Last evaluated: 2023-10-04. Review status: criteria provided, single submitter. Criteria: ACMG Guidelines, 2015. Collection method: clinical testing. Allele origin: germline. Affected: yes. Observed: 5 variant alleles.

Clinical Genetics Service, Universitary Hospital 12 de Octubre
Classification: Likely pathogenic for Neurohypophyseal diabetes insipidus. Review status: criteria provided, single submitter. Criteria: ACMG Guidelines, 2015. Collection method: clinical testing. Allele origin: germline. Affected: yes.

PreventionGenetics, part of Exact Sciences
Classification: Pathogenic for AVP-related condition. Last evaluated: 2024-09-23. Review status: no assertion criteria provided. Collection method: clinical testing. Allele origin: germline. Not counted in ClinVar's aggregate classification.
Comment: The AVP c.55G>A variant is predicted to result in the amino acid substitution p.Ala19Thr. This variant has been reported to be pathogenic for neurohypophyseal diabetes insipidus (Christensen et al. 2004. PubMed ID: 14673472, reported as 279G>A, p.A19T; Patti et al. 2019. PubMed ID: 31238300). In addition, a different substitution affecting the same amino acid (c.56C>T, p.Ala19Val) has also been reported to be pathogenic (Rittig et al. 1996. PubMed ID: 8554046; Patti et al. 2019. PubMed ID: 31238300). This variant has not been reported in a large population database, indicating this variant is rare. This variant is interpreted as pathogenic.

OMIM
Classification: Pathogenic for DIABETES INSIPIDUS, NEUROHYPOPHYSEAL. Last evaluated: 1999-08-01. Review status: no assertion criteria provided. Collection method: literature only. Allele origin: germline. Not counted in ClinVar's aggregate classification.

Genome Diagnostics Laboratory, University Medical Center Utrecht
Classification: Pathogenic. Review status: no assertion criteria provided. Collection method: clinical testing. Allele origin: germline. Affected: yes. Study: VKGL Data-share Consensus. Not counted in ClinVar's aggregate classification.

Joint Genome Diagnostic Labs from Nijmegen and Maastricht, Radboudumc and MUMC+
Classification: Pathogenic. Review status: no assertion criteria provided. Collection method: clinical testing. Allele origin: germline. Affected: yes. Study: VKGL Data-share Consensus. Not counted in ClinVar's aggregate classification.

Literature cited by the submitters: PubMed 8370682 (cited by 3 submitters); PubMed 31238300 (cited by Labcorp Genetics (formerly Invitae), Labcorp); PubMed 8554046 (cited by 3billion); PubMed 8514868 (cited by OMIM); PubMed 8370681 (cited by OMIM); PubMed 3390991 (cited by OMIM); Siggaard, C., Rittig, S., Corydon, T. J., Andreasen, P. H., Jensen, T. G., Andresen, B. S., Robertson, G. L., Gregersen, N., Bolund, L., Pedersen, E. B. Clinical and molecular evidence of abnormal processing and trafficking of the vasopressin preprohormone in a large kindred with familial neurohypophyseal diabetes insipidus due to a signal peptide mutation. J. Clin. Endocr. Metab. 84: 2933-2941, 1999. (cited by OMIM).